The following is an entry in ClinVar:

ClinVar aggregate classification (germline): Uncertain significance (1 of 4 stars; one submission).

gnomAD v4.1: 1 of 1,597,086 alleles (0.000063%); no homozygotes.

Submission:

Labcorp Genetics (formerly Invitae), Labcorp
Classification: Uncertain significance. Last evaluated: 2022-08-19. Review status: criteria provided, single submitter. Criteria: Invitae Variant Classification Sherloc (09022015). Collection method: clinical testing. Allele origin: germline.
Comment: This sequence change replaces glycine, which is neutral and non-polar, with aspartic acid, which is acidic and polar, at codon 2928 of the DCHS1 protein (p.Gly2928Asp). This variant is not present in population databases (gnomAD no frequency). This variant has not been reported in the literature in individuals affected with DCHS1-related conditions. Algorithms developed to predict the effect of missense changes on protein structure and function are either unavailable or do not agree on the potential impact of this missense change (SIFT: "Deleterious"; PolyPhen-2: "Probably Damaging"; Align-GVGD: "Class C0"). In summary, the available evidence is currently insufficient to determine the role of this variant in disease. Therefore, it has been classified as a Variant of Uncertain Significance.

NM_003737.4(DCHS1):c.8783G>A (p.Gly2928Asp)

Gene: DCHS1 (dachsous cadherin-related 1; minus strand). Cytogenetic location: 11p15.4.
Variant type: single nucleotide variant.
Coding change: c.8783G>A on transcript NM_003737.4 (MANE Select); coding-DNA position 8783, G replaced by A.
Protein change: p.Gly2928Asp; replaces glycine 2928 with aspartic acid.
Molecular consequence: missense variant.
Genome position (GRCh38, 1-based): chr11:6,622,893, C>T on the plus strand (G>A on the coding strand, the complement: DCHS1 is on the minus strand). VCF-style: chr11-6622893-C-T. GRCh37 (hg19) VCF-style: chr11-6644124-C-T.
Other names: short protein forms G2928D.
Identifiers: ClinVar variation 1716992 (VCV001716992.5), dbSNP rs2493810113, ClinGen allele CA379480348.